The following is an entry in ClinVar:

NM_001690.4(ATP6V1A):c.105G>A (p.Ala35=)

Gene: ATP6V1A (ATPase H+ transporting V1 subunit A; plus strand). Cytogenetic location: 3q13.31.
Variant type: single nucleotide variant.
Coding change: c.105G>A on transcript NM_001690.4 (MANE Select); coding-DNA position 105, G replaced by A.
Protein change: p.Ala35=; no amino-acid change (alanine 35 retained).
Molecular consequence: synonymous variant.
Genome position (GRCh38, 1-based): chr3:113,781,072, G>A. VCF-style: chr3-113781072-G-A. GRCh37 (hg19) VCF-style: chr3-113499919-G-A.
Identifiers: ClinVar variation 2155191 (VCV002155191.6), dbSNP rs141344475, ClinGen allele CA2547758.

ClinVar aggregate classification (germline): Likely benign. Review status: criteria provided, multiple submitters, no conflicts (2 of 4 stars). 3 submissions from 3 submitters: Likely benign (3). Last evaluated 2025-08-06.

Conditions:
ATP6V1A-related disorder. Also called: ATP6V1A-related condition.

Allele frequency attached by ClinVar (database versions not stated): ExAC 0.00002; TOPMed 0.00002.
gnomAD v4.1: 43 of 1,605,740 alleles (0.0027%); highest among the groups gnomAD compares: South Asian, 0.014%; no homozygotes.

Submissions (3):

PreventionGenetics, part of Exact Sciences
Classification: Likely benign for ATP6V1A-related condition. Last evaluated: 2025-08-06. Review status: criteria provided, single submitter. Criteria: ACMG Guidelines, 2015. Collection method: clinical testing. Allele origin: germline.
Comment: This variant is classified as likely benign based on ACMG/AMP sequence variant interpretation guidelines (Richards et al. 2015 PMID: 25741868, with internal and published modifications).

Labcorp Genetics (formerly Invitae), Labcorp
Classification: Likely benign. Last evaluated: 2025-01-23. Review status: criteria provided, single submitter. Criteria: Invitae Variant Classification Sherloc (09022015). Collection method: clinical testing. Allele origin: germline.

Blueprint Genetics
Classification: Likely benign. Last evaluated: 2021-10-23. Review status: criteria provided, single submitter. Criteria: ACMG Guidelines, 2015. Collection method: clinical testing. Allele origin: germline.